The following is an entry in ClinVar:

NM_138694.4(PKHD1):c.5738del (p.Gly1913fs)

Gene: PKHD1 (PKHD1 ciliary IPT domain containing fibrocystin/polyductin; minus strand). Cytogenetic location: 6p12.2.
Variant type: Deletion.
Coding change: c.5738del on transcript NM_138694.4 (MANE Select); coding-DNA position 5738, one base deleted (G; older notation c.5738delG).
Protein change: p.Gly1913fs; shifts the reading frame from glycine 1913.
Molecular consequence: frameshift variant.
Genome position (GRCh38, 1-based): chr6:52,010,322, C deleted on the plus strand (G on the coding strand, the reverse complement: PKHD1 is on the minus strand); the first of 4 consecutive C bases (chr6:52,010,322-52,010,325); deleting any one gives the same sequence. VCF-style (leftmost placement, unchanged base first): chr6-52010321-GC-G. GRCh37 (hg19) VCF-style: chr6-51875119-GC-G.
Other names: c.5738del, p.Gly1913fs (NM_170724.3); short protein forms G1913fs.
Identifiers: ClinVar variation 1724732 (VCV001724732.2), dbSNP rs2538112218, ClinGen allele CA2580075456.
Genomic context (GRCh38, chr6:52,010,321, plus strand): 5'-TTTAATTTGAGCTGTTTGAATCAGTCTGTAAAAAAGATTTGATTATACCTGAGTGTTCTG[GC>G]CCCAGCGTTTCCGTATCTCAGTAATCTTGACGGTAATTGGCTGATTGGGCGTCTCACACT-3'

ClinVar aggregate classification (germline): Likely pathogenic (1 of 4 stars; one submission).

Conditions:
Polycystic kidney disease 4 (PKD4). Also called: POLYCYSTIC KIDNEY AND HEPATIC DISEASE 1; POLYCYSTIC KIDNEY DISEASE, INFANTILE, TYPE I; POLYCYSTIC KIDNEY DISEASE 4 WITH OR WITHOUT POLYCYSTIC LIVER DISEASE; PKD3; Autosomal Recessive Polycystic Kidney Disease – PKHD1. Identifiers: MedGen C4540575, MONDO:0033004, OMIM 263200.

Submission:

Myriad Genetics, Inc.
Classification: Likely pathogenic for Polycystic kidney disease 4. Last evaluated: 2022-02-25. Review status: criteria provided, single submitter. Criteria: Myriad Women's Health Autosomal Recessive and X-Linked Classification Criteria (2021). Collection method: clinical testing. Allele origin: unknown.
Comment: NM_138694.3(PKHD1):c.5738delG(G1913Afs*61) is expected to be pathogenic in the context of autosomal recessive polycystic kidney disease, PKHD1-related. This variant is predicted to lead to an abnormal or absent protein product due to the creation of a premature termination codon in PKHD1, a gene where loss-of-function variants are known to be pathogenic. Please note: this variant was assessed in the context of healthy population screening.